The following is an entry in ClinVar:

NM_000218.3(KCNQ1):c.1514+5678G>A

Genes: KCNQ1 (potassium voltage-gated channel subfamily Q member 1; plus strand), KCNQ1OT1 (KCNQ1 opposite strand/antisense transcript 1; minus strand). Cytogenetic location: 11p15.5.
Variant type: single nucleotide variant.
Coding change: c.1514+5678G>A on transcript NM_000218.3 (MANE Select); 5678 bases into the intron after coding-DNA position 1514, G replaced by A.
Molecular consequence: intron variant. On other transcripts: non-coding transcript variant (1).
Genome position (GRCh38, 1-based): chr11:2,667,759, G>A. VCF-style: chr11-2667759-G-A. GRCh37 (hg19) VCF-style: chr11-2688989-G-A.
Other names: c.1244+5678G>A (NM_001406837.1); c.1418+5678G>A (NM_001406836.1); c.974+5678G>A (NM_001406838.1); c.1133+5678G>A (NM_181798.2).
Identifiers: ClinVar variation 2641464 (VCV002641464.24), dbSNP rs184756800, ClinGen allele CA216176091.

ClinVar aggregate classification (germline): Benign (1 of 4 stars; one submission).

Allele frequency attached by ClinVar (database versions not stated): gnomAD exomes 0.00031; 1000 Genomes Project 30x 0.00203; gnomAD 0.00265; 1000 Genomes Project 0.00280.
gnomAD v4.1: 484 of 398,700 alleles (0.12%); highest among the groups gnomAD compares: African/African-American, 0.89%; no homozygotes.

Submission:

CeGaT Center for Human Genetics Tuebingen
Classification: Benign. Last evaluated: 2024-02-01. Review status: criteria provided, single submitter. Criteria: CeGaT Center For Human Genetics Tuebingen Variant Classification Criteria Version 2. Collection method: clinical testing. Allele origin: germline. Affected: yes. Observed: 3 variant alleles.
Comment: KCNQ1OT1: BS1, BS2